The following is an entry in ClinVar:

ClinVar aggregate classification (germline): Uncertain significance. Review status: criteria provided, multiple submitters, no conflicts (2 of 4 stars). 2 submissions from 2 submitters: Uncertain significance (2). Last evaluated 2024-02-29.

Conditions:
MOGS-congenital disorder of glycosylation. Also called: CDG IIb; GLUCOSIDASE I DEFICIENCY; CDG 2B; MOGS-CDG. Identifiers: Orphanet 79330, MedGen C1853736, MONDO:0011629, OMIM 606056.

Allele frequency attached by ClinVar (database versions not stated): TOPMed 0.00001.

Submissions (2):

GeneDx
Classification: Uncertain significance. Last evaluated: 2024-02-29. Review status: criteria provided, single submitter. Criteria: GeneDx Variant Classification Process June 2021. Collection method: clinical testing. Allele origin: germline. Affected: yes.
Comment: Not observed at significant frequency in large population cohorts (gnomAD); In silico analysis supports that this missense variant has a deleterious effect on protein structure/function; Has not been previously published as pathogenic or benign to our knowledge

Labcorp Genetics (formerly Invitae), Labcorp
Classification: Uncertain significance for MOGS-congenital disorder of glycosylation. Last evaluated: 2021-08-28. Review status: criteria provided, single submitter. Criteria: Invitae Variant Classification Sherloc (09022015). Collection method: clinical testing. Allele origin: germline.
Comment: This sequence change replaces tyrosine with serine at codon 104 of the MOGS protein (p.Tyr104Ser). The tyrosine residue is highly conserved and there is a large physicochemical difference between tyrosine and serine. This variant is not present in population databases (ExAC no frequency). This variant has not been reported in the literature in individuals affected with MOGS-related conditions. Algorithms developed to predict the effect of missense changes on protein structure and function are either unavailable or do not agree on the potential impact of this missense change (SIFT: "Deleterious"; PolyPhen-2: "Probably Damaging"; Align-GVGD: "Class C0"). In summary, the available evidence is currently insufficient to determine the role of this variant in disease. Therefore, it has been classified as a Variant of Uncertain Significance.

NM_006302.3(MOGS):c.311A>C (p.Tyr104Ser)

Gene: MOGS (mannosyl-oligosaccharide glucosidase; minus strand). Cytogenetic location: 2p13.1.
Variant type: single nucleotide variant.
Coding change: c.311A>C on transcript NM_006302.3 (MANE Select); coding-DNA position 311, A replaced by C.
Protein change: p.Tyr104Ser; replaces tyrosine 104 with serine.
Molecular consequence: missense variant. On other transcripts: 5 prime UTR variant (1).
Genome position (GRCh38, 1-based): chr2:74,464,937, T>G on the plus strand (A>C on the coding strand, the complement: MOGS is on the minus strand). VCF-style: chr2-74464937-T-G. GRCh37 (hg19) VCF-style: chr2-74692064-T-G.
Other names: c.-8A>C (NM_001146158.2); c.311A>C, p.Tyr104Ser (LRG_1226t1); short protein forms Y104S.
Identifiers: ClinVar variation 465841 (VCV000465841.7), dbSNP rs1553380245, ClinGen allele CA347382540.
Genomic context (GRCh38, chr2:74,464,937, plus strand): 5'-CGCCCTGGGGCCCGGTTACCGGTGAGGAGGGGCTTCGGGCTGCGGGTCTTCATGCCGAAG[T>G]AGACGTGAGGGCGGTAGGTTCCCCAGAAGAGGTCCGGGGCCACGGCGGGGCTGGAGGAGT-3'
Protein context (NP_006293.2, residues 94-114): LFWGTYRPHV[Tyr104Ser]FGMKTRSPKP